The following is an entry in ClinVar:

NM_001040108.2(MLH3):c.3798A>T (p.Thr1266=)

Gene: MLH3 (mutL homolog 3; minus strand). Cytogenetic location: 14q24.3.
Variant type: single nucleotide variant.
Coding change: c.3798A>T on transcript NM_001040108.2 (MANE Select); coding-DNA position 3798, A replaced by T.
Protein change: p.Thr1266=; no amino-acid change (threonine 1266 retained).
Molecular consequence: synonymous variant.
Genome position (GRCh38, 1-based): chr14:75,032,097, T>A on the plus strand (A>T on the coding strand, the complement: MLH3 is on the minus strand). VCF-style: chr14-75032097-T-A. GRCh37 (hg19) VCF-style: chr14-75498800-T-A.
Other names: c.3726A>T, p.Thr1242= (NM_014381.3).
Identifiers: ClinVar variation 4875816 (VCV004875816.1).

ClinVar aggregate classification (germline): Benign (1 of 4 stars; one submission).

Conditions:
Colorectal cancer, hereditary nonpolyposis, type 7. Identifiers: Orphanet 144, MedGen C1858380, MONDO:0013725, OMIM 614385.

Submission:

Myriad Genetics, Inc.
Classification: Benign for Colorectal cancer, hereditary nonpolyposis, type 7. Last evaluated: 2026-05-06. Review status: criteria provided, single submitter. Criteria: Myriad Autosomal Dominant, Autosomal Recessive and X-Linked Classification Criteria (2023). Collection method: clinical testing. Allele origin: unknown.
Comment: This variant is considered benign. This variant is a silent/synonymous amino acid change and it is not expected to impact splicing.